The following is an entry in ClinVar:

ClinVar aggregate classification (germline): Likely benign (0 of 4 stars; one submission).

Conditions:
VPS13B-related disorder. Also called: VPS13B-related condition.

Submission:

PreventionGenetics, part of Exact Sciences
Classification: Likely benign for VPS13B-related condition. Last evaluated: 2020-04-07. Review status: no assertion criteria provided. Collection method: clinical testing. Allele origin: germline.
Comment: This variant is classified as likely benign based on ACMG/AMP sequence variant interpretation guidelines (Richards et al. 2015 PMID: 25741868, with internal and published modifications).

NM_152564.5(VPS13B):c.9331-13_9331-3dup

Gene: VPS13B (vacuolar protein sorting 13 homolog B; plus strand). Cytogenetic location: 8q22.2.
Variant type: Duplication.
Coding change: c.9331-13_9331-3dup on transcript NM_152564.5 (MANE Select); 13 bases into the intron before coding-DNA position 9331 through 3 bases into the intron before coding-DNA position 9331, 11 bases duplicated (TTTTTTTTTTT).
Molecular consequence: intron variant.
Genome position (GRCh38, 1-based): chr8:99,832,356-99,832,366, TTTTTTTTTTT duplicated; duplicating any 11 consecutive bases within chr8:99,832,342-99,832,366 gives the same sequence; the c. name uses the placement nearest the transcript's 3' end. VCF-style (leftmost placement, unchanged base first): chr8-99832341-A-ATTTTTTTTTTT. GRCh37 (hg19) VCF-style: chr8-100844569-A-ATTTTTTTTTTT.
Other names: c.9406-13_9406-3dup (NM_017890.5).
Identifiers: ClinVar variation 3034318 (VCV003034318.2), dbSNP rs370235149, ClinGen allele CA1117121018.